The following is an entry in ClinVar:

NM_001253697.2(ERBIN):c.37C>T (p.Pro13Ser)

Gene: ERBIN (erbb2 interacting protein; plus strand). Cytogenetic location: 5q12.3.
Variant type: single nucleotide variant.
Coding change: c.37C>T on transcript NM_001253697.2 (MANE Select); coding-DNA position 37, C replaced by T.
Protein change: p.Pro13Ser; replaces proline 13 with serine.
Molecular consequence: missense variant.
Genome position (GRCh38, 1-based): chr5:65,992,755, C>T. VCF-style: chr5-65992755-C-T. GRCh37 (hg19) VCF-style: chr5-65288583-C-T.
Other names: c.37C>T, p.Pro13Ser (NM_001006600.3, NM_001253698.2, NM_001253699.2 and 2 more transcripts); short protein forms P13S.
Identifiers: ClinVar variation 1907847 (VCV001907847.5), dbSNP rs377154455, ClinGen allele CA3285816.

ClinVar aggregate classification (germline): Uncertain significance (1 of 4 stars; one submission).

Allele frequency attached by ClinVar (database versions not stated): gnomAD 0.00002; ExAC 0.00003; TOPMed 0.00003; gnomAD exomes 0.00007; ESP Exome Variant Server 0.00008.
gnomAD v4.1: 104 of 1,611,658 alleles (0.0065%); highest among the groups gnomAD compares: Non-Finnish European, 0.0084%; no homozygotes.

Submission:

Labcorp Genetics (formerly Invitae), Labcorp
Classification: Uncertain significance. Last evaluated: 2024-01-26. Review status: criteria provided, single submitter. Criteria: Invitae Variant Classification Sherloc (09022015). Collection method: clinical testing. Allele origin: germline.
Comment: This sequence change replaces proline, which is neutral and non-polar, with serine, which is neutral and polar, at codon 13 of the ERBIN protein (p.Pro13Ser). This variant is present in population databases (rs377154455, gnomAD 0.004%). This variant has not been reported in the literature in individuals affected with ERBIN-related conditions. ClinVar contains an entry for this variant (Variation ID: 1907847). An algorithm developed to predict the effect of missense changes on protein structure and function (PolyPhen-2) suggests that this variant is likely to be disruptive. In summary, the available evidence is currently insufficient to determine the role of this variant in disease. Therefore, it has been classified as a Variant of Uncertain Significance.